The following is an entry in ClinVar:

NM_018127.7(ELAC2):c.184G>C (p.Val62Leu)

Gene: ELAC2 (elaC ribonuclease Z 2; minus strand). Cytogenetic location: 17p12.
Variant type: single nucleotide variant.
Coding change: c.184G>C on transcript NM_018127.7 (MANE Select); coding-DNA position 184, G replaced by C.
Protein change: p.Val62Leu; replaces valine 62 with leucine.
Molecular consequence: missense variant.
Genome position (GRCh38, 1-based): chr17:13,017,764, C>G on the plus strand (G>C on the coding strand, the complement: ELAC2 is on the minus strand). VCF-style: chr17-13017764-C-G. GRCh37 (hg19) VCF-style: chr17-12921081-C-G.
Other names: c.184G>C, p.Val62Leu (NM_001165962.2, NM_173717.2); short protein forms V62L.
Identifiers: ClinVar variation 2075152 (VCV002075152.4), dbSNP rs2508397052, ClinGen allele CA398219003.

ClinVar aggregate classification (germline): Uncertain significance (1 of 4 stars; one submission).

Conditions:
Combined oxidative phosphorylation defect type 17. Also called: Combined oxidative phosphorylation deficiency 17. Identifiers: Orphanet 369913, MedGen C3809526, MONDO:0014190, OMIM 615440.

Submission:

Labcorp Genetics (formerly Invitae), Labcorp
Classification: Uncertain significance for Combined oxidative phosphorylation defect type 17. Last evaluated: 2024-10-29. Review status: criteria provided, single submitter. Criteria: Invitae Variant Classification Sherloc (09022015). Collection method: clinical testing. Allele origin: germline.
Comment: This sequence change replaces valine, which is neutral and non-polar, with leucine, which is neutral and non-polar, at codon 62 of the ELAC2 protein (p.Val62Leu). This variant is not present in population databases (gnomAD no frequency). This variant has not been reported in the literature in individuals affected with ELAC2-related conditions. ClinVar contains an entry for this variant (Variation ID: 2075152). Invitae Evidence Modeling of protein sequence and biophysical properties (such as structural, functional, and spatial information, amino acid conservation, physicochemical variation, residue mobility, and thermodynamic stability) indicates that this missense variant is expected to disrupt ELAC2 protein function with a positive predictive value of 80%. In summary, the available evidence is currently insufficient to determine the role of this variant in disease. Therefore, it has been classified as a Variant of Uncertain Significance.